The following is an entry in ClinVar:

NM_006623.4(PHGDH):c.1131C>T (p.Gly377=)

Gene: PHGDH (phosphoglycerate dehydrogenase; plus strand). Cytogenetic location: 1p12.
Variant type: single nucleotide variant.
Coding change: c.1131C>T on transcript NM_006623.4 (MANE Select); coding-DNA position 1131, C replaced by T.
Protein change: p.Gly377=; no amino-acid change (glycine 377 retained).
Molecular consequence: synonymous variant.
Genome position (GRCh38, 1-based): chr1:119,741,819, C>T. VCF-style: chr1-119741819-C-T. GRCh37 (hg19) VCF-style: chr1-120284442-C-T.
Identifiers: ClinVar variation 2639038 (VCV002639038.24), dbSNP rs1018645645, ClinGen allele CA420016101.

ClinVar aggregate classification (germline): Likely benign (1 of 4 stars; one submission).

Submission:

CeGaT Center for Human Genetics Tuebingen
Classification: Likely benign. Last evaluated: 2023-07-01. Review status: criteria provided, single submitter. Criteria: CeGaT Center For Human Genetics Tuebingen Variant Classification Criteria Version 2. Collection method: clinical testing. Allele origin: germline. Affected: yes. Observed: 1 variant allele.
Comment: PHGDH: PM2:Supporting, BP4, BP7